The following is an entry in ClinVar:

NM_001035.3(RYR2):c.8617C>T (p.Pro2873Ser)

Gene: RYR2 (ryanodine receptor 2; plus strand). Cytogenetic location: 1q43.
Variant type: single nucleotide variant.
Coding change: c.8617C>T on transcript NM_001035.3 (MANE Select); coding-DNA position 8617, C replaced by T.
Protein change: p.Pro2873Ser; replaces proline 2873 with serine.
Molecular consequence: missense variant.
Genome position (GRCh38, 1-based): chr1:237,674,122, C>T. VCF-style: chr1-237674122-C-T. GRCh37 (hg19) VCF-style: chr1-237837422-C-T.
Other names: c.8617C>T, p.Pro2873Ser (LRG_402t1); short protein forms P2873S.
Identifiers: ClinVar variation 404193 (VCV000404193.60), dbSNP rs1031049689, ClinGen allele CA16610009.

ClinVar aggregate classification (germline): Uncertain significance. Review status: criteria provided, multiple submitters, no conflicts (2 of 4 stars). 8 submissions from 7 submitters: Uncertain significance (8). Last evaluated 2026-08-26.

Conditions:
Arrhythmogenic right ventricular dysplasia 2. Identifiers: MedGen C1832931.
Catecholaminergic polymorphic ventricular tachycardia 1. Also called: VENTRICULAR TACHYCARDIA, CATECHOLAMINERGIC POLYMORPHIC, 1, WITH OR WITHOUT ATRIAL DYSFUNCTION AND/OR DILATED CARDIOMYOPATHY; VENTRICULAR TACHYCARDIA, STRESS-INDUCED POLYMORPHIC 1; RYR2-Related Catecholaminergic Polymorphic Ventricular Tachycardia. Identifiers: Orphanet 3286, MedGen C1631597, MONDO:0011484, OMIM 604772.
Catecholaminergic polymorphic ventricular tachycardia (CVPT). Also called: Catecholamine-induced polymorphic ventricular tachycardia. Identifiers: Orphanet 3286, MedGen C5574922, MONDO:0017990.
Ventricular arrhythmias due to cardiac ryanodine receptor calcium release deficiency syndrome. Also called: Autosomal dominant cardiac arrhythmia (Kuhn). Identifiers: MedGen C5542154, MONDO:0020745, OMIM 115000.
Cardiovascular phenotype. Identifiers: MedGen CN230736.
Cardiomyopathy (CMYO). Also called: Cardiomyopathies. Identifiers: Orphanet 167848, MedGen C0878544, MONDO:0004994, HP:0001638. Inheritance: Various modes of inheritance.

Allele frequency attached by ClinVar (database versions not stated): gnomAD exomes below 0.00001; TOPMed below 0.00001.
gnomAD v4.1: 6 of 1,611,166 alleles (0.00037%); highest among the groups gnomAD compares: East Asian, 0.0045%; no homozygotes.

Submissions (8):

GeneDx
Classification: Uncertain significance. Last evaluated: 2026-08-26. Review status: criteria provided, single submitter. Criteria: GeneDx Variant Classification Process June 2021. Collection method: clinical testing. Allele origin: germline.
Comment: Has not been previously published as pathogenic or benign to our knowledge; Not observed at significant frequency in large population cohorts (gnomAD); In silico analysis supports that this missense variant has a deleterious effect on protein structure/function; Not located in one of the three hot-spot regions of the RYR2 gene, where the majority of pathogenic missense variants occur (PMID: 19926015); This variant is associated with the following publications: (PMID: 19926015)

Labcorp Genetics (formerly Invitae), Labcorp
Classification: Uncertain significance for Catecholaminergic polymorphic ventricular tachycardia 1. Last evaluated: 2026-01-05. Review status: criteria provided, single submitter. Criteria: Invitae Variant Classification Sherloc (09022015). Collection method: clinical testing. Allele origin: germline.
Comment: This sequence change replaces proline, which is neutral and non-polar, with serine, which is neutral and polar, at codon 2873 of the RYR2 protein (p.Pro2873Ser). This variant is not present in population databases (gnomAD no frequency). This variant has not been reported in the literature in individuals affected with RYR2-related conditions. ClinVar contains an entry for this variant (Variation ID: 404193). Invitae Evidence Modeling of protein sequence and biophysical properties (such as structural, functional, and spatial information, amino acid conservation, physicochemical variation, residue mobility, and thermodynamic stability) indicates that this missense variant is expected to disrupt RYR2 protein function with a positive predictive value of 95%. In summary, the available evidence is currently insufficient to determine the role of this variant in disease. Therefore, it has been classified as a Variant of Uncertain Significance.

All of Us Research Program, National Institutes of Health
Classification: Uncertain significance for Catecholaminergic polymorphic ventricular tachycardia. Last evaluated: 2024-08-13. Review status: criteria provided, single submitter. Criteria: ACMG Guidelines, 2015. Collection method: clinical testing. Allele origin: germline. Inheritance: Autosomal dominant inheritance. Observed: 2 variant alleles, 2 heterozygotes.
Comment: This missense variant replaces proline with serine at codon 2873 of the RYR2 protein.. Computational prediction suggests that this variant may have deleterious impact on protein structure and function (internally defined REVEL score threshold >= 0.7, PMID: 27666373). To our knowledge, functional studies have not been reported for this variant. This variant has not been reported in individuals affected with cardiovascular disorders in the literature. This variant has not been identified in the general population by the Genome Aggregation Database (gnomAD). The available evidence is insufficient to determine the role of this variant in disease conclusively. Therefore, this variant is classified as a Variant of Uncertain Significance.

This study involves interpretation of variants in research participants for the purpose of population health screening. Participant phenotype was not available at the time of variant classification. Additional details can be found in publication PMID: 35346344, PMCID: PMC8962531

Color Diagnostics, LLC DBA Color Health
Classification: Uncertain significance for Cardiomyopathy. Last evaluated: 2024-03-06. Review status: criteria provided, single submitter. Criteria: ACMG Guidelines, 2015. Collection method: clinical testing. Allele origin: germline.
Comment: This missense variant replaces proline with serine at codon 2873 of the RYR2 protein. Computational prediction suggests that this variant may have deleterious impact on protein structure and function (internally defined REVEL score threshold >= 0.7, PMID: 27666373). To our knowledge, functional studies have not been reported for this variant. This variant has not been reported in individuals affected with RYR2-related disorders in the literature. This variant has not been identified in the general population by the Genome Aggregation Database (gnomAD). The available evidence is insufficient to determine the role of this variant in disease conclusively. Therefore, this variant is classified as a Variant of Uncertain Significance.

Fulgent Genetics
Classification: Uncertain significance for Ventricular arrhythmias due to cardiac ryanodine receptor calcium release deficiency syndrome; Catecholaminergic polymorphic ventricular tachycardia 1. Last evaluated: 2024-01-23. Review status: criteria provided, single submitter. Criteria: ACMG Guidelines, 2015. Collection method: clinical testing. Allele origin: germline.

Fulgent Genetics
Classification: Uncertain significance for Catecholaminergic polymorphic ventricular tachycardia 1. Last evaluated: 2018-10-31. Review status: criteria provided, single submitter. Criteria: ACMG Guidelines, 2015. Collection method: clinical testing. Allele origin: unknown.

Ambry Genetics
Classification: Uncertain significance for Cardiovascular phenotype. Last evaluated: 2018-09-12. Review status: criteria provided, single submitter. Criteria: Ambry Variant Classification Scheme 2023. Collection method: clinical testing. Allele origin: germline.
Comment: The p.P2873S variant (also known as c.8617C>T), located in coding exon 59 of the RYR2 gene, results from a C to T substitution at nucleotide position 8617. The proline at codon 2873 is replaced by serine, an amino acid with similar properties. This amino acid position is highly conserved in available vertebrate species. In addition, this alteration is predicted to be deleterious by in silico analysis. Since supporting evidence is limited at this time, the clinical significance of this alteration remains unclear.

Center for Genomics, Ann and Robert H. Lurie Children's Hospital of Chicago
Classification: Uncertain significance for Catecholaminergic polymorphic ventricular tachycardia 1; Ventricular arrhythmias due to cardiac ryanodine receptor calcium release deficiency syndrome. Review status: criteria provided, single submitter. Criteria: ACMG Guidelines, 2015. Collection method: clinical testing. Allele origin: germline.
Comment: RYR2 NM_001035.2 exon 59 p.Pro2873Ser (c.8617C>T): This variant has not been reported in the literature and is not present in large control databases. This variant is present in ClinVar (Variation ID:404193). Evolutionary conservation and computational predictive tools suggest that this variant may impact the protein. In summary, data on this variant is insufficient for disease classification. Therefore, the clinical significance of this variant is uncertain.